The following is an entry in ClinVar:

NM_005655.4(KLF10):c.394G>A (p.Ala132Thr)

Gene: KLF10 (KLF transcription factor 10; minus strand). Cytogenetic location: 8q22.3.
Variant type: single nucleotide variant.
Coding change: c.394G>A on transcript NM_005655.4 (MANE Select); coding-DNA position 394, G replaced by A.
Protein change: p.Ala132Thr; replaces alanine 132 with threonine.
Molecular consequence: missense variant.
Genome position (GRCh38, 1-based): chr8:102,651,938, C>T on the plus strand (G>A on the coding strand, the complement: KLF10 is on the minus strand). VCF-style: chr8-102651938-C-T. GRCh37 (hg19) VCF-style: chr8-103664166-C-T.
Other names: c.361G>A, p.Ala121Thr (NM_001032282.4); c.394G>A (NM_005655.2); short protein forms A132T, A121T.
Identifiers: ClinVar variation 1985560 (VCV001985560.5), dbSNP rs376342588, ClinGen allele CA4833613.

ClinVar aggregate classification (germline): Uncertain significance. Review status: criteria provided, multiple submitters, no conflicts (2 of 4 stars). 2 submissions from 2 submitters: Uncertain significance (2). Last evaluated 2026-01-05.

Allele frequency attached by ClinVar (database versions not stated): ExAC 0.00008; ESP Exome Variant Server 0.00008; TOPMed 0.00008; gnomAD 0.00010.

Submissions (2):

Labcorp Genetics (formerly Invitae), Labcorp
Classification: Uncertain significance. Last evaluated: 2026-01-05. Review status: criteria provided, single submitter. Criteria: Invitae Variant Classification Sherloc (09022015). Collection method: clinical testing. Allele origin: germline.
Comment: This sequence change replaces alanine, which is neutral and non-polar, with threonine, which is neutral and polar, at codon 132 of the KLF10 protein (p.Ala132Thr). This variant is present in population databases (rs376342588, gnomAD 0.01%). This variant has not been reported in the literature in individuals affected with KLF10-related conditions. ClinVar contains an entry for this variant (Variation ID: 1985560). An algorithm developed to predict the effect of missense changes on protein structure and function outputs the following: PolyPhen-2: "Benign". The threonine amino acid residue is found in multiple mammalian species, which suggests that this missense change does not adversely affect protein function. In summary, the available evidence is currently insufficient to determine the role of this variant in disease. Therefore, it has been classified as a Variant of Uncertain Significance.

Ambry Genetics
Classification: Uncertain significance. Last evaluated: 2024-11-14. Review status: criteria provided, single submitter. Criteria: Ambry Variant Classification Scheme 2023. Collection method: clinical testing. Allele origin: germline.